The following is an entry in ClinVar:

ClinVar aggregate classification (germline): Uncertain significance. Review status: criteria provided, multiple submitters, no conflicts (2 of 4 stars). 2 submissions from 2 submitters: Uncertain significance (2). Last evaluated 2021-11-12.

Allele frequency attached by ClinVar (database versions not stated): TOPMed 0.00008.

Submissions (2):

Labcorp Genetics (formerly Invitae), Labcorp
Classification: Uncertain significance. Last evaluated: 2021-11-12. Review status: criteria provided, single submitter. Criteria: Invitae Variant Classification Sherloc (09022015). Collection method: clinical testing. Allele origin: germline.
Comment: This sequence change replaces proline, which is neutral and non-polar, with threonine, which is neutral and polar, at codon 2033 of the NOTCH3 protein (p.Pro2033Thr). This variant is present in population databases (rs375213868, gnomAD 0.008%). This variant has not been reported in the literature in individuals affected with NOTCH3-related conditions. In summary, the available evidence is currently insufficient to determine the role of this variant in disease. Therefore, it has been classified as a Variant of Uncertain Significance. Advanced modeling of protein sequence and biophysical properties (such as structural, functional, and spatial information, amino acid conservation, physicochemical variation, residue mobility, and thermodynamic stability) performed at Invitae indicates that this missense variant is not expected to disrupt NOTCH3 protein function. ClinVar contains an entry for this variant (Variation ID: 804645).

Athena Diagnostics
Classification: Uncertain significance. Last evaluated: 2019-08-07. Review status: criteria provided, single submitter. Criteria: Athena Diagnostics Criteria. Collection method: clinical testing. Allele origin: germline.

NM_000435.3(NOTCH3):c.6097C>A (p.Pro2033Thr)

Gene: NOTCH3 (notch receptor 3; minus strand). Cytogenetic location: 19p13.12.
Variant type: single nucleotide variant.
Coding change: c.6097C>A on transcript NM_000435.3 (MANE Select); coding-DNA position 6097, C replaced by A.
Protein change: p.Pro2033Thr; replaces proline 2033 with threonine.
Molecular consequence: missense variant.
Genome position (GRCh38, 1-based): chr19:15,161,531, G>T on the plus strand (C>A on the coding strand, the complement: NOTCH3 is on the minus strand). VCF-style: chr19-15161531-G-T. GRCh37 (hg19) VCF-style: chr19-15272342-G-T.
Other names: short protein forms P2033T.
Identifiers: ClinVar variation 804645 (VCV000804645.6), dbSNP rs375213868, ClinGen allele CA9262429.